The following is an entry in ClinVar:

ClinVar aggregate classification (germline): Uncertain significance (1 of 4 stars; one submission).

Conditions:
EGFR-related lung cancer (EGFR). Identifiers: MedGen CN130014.

Allele frequency attached by ClinVar (database versions not stated): gnomAD exomes below 0.00001.
gnomAD v4.1: 1 of 1,614,178 alleles (0.000062%); highest among the groups gnomAD compares: African/African-American, 0.0013%; no homozygotes.

Submission:

Labcorp Genetics (formerly Invitae), Labcorp
Classification: Uncertain significance for EGFR-related lung cancer. Last evaluated: 2021-12-22. Review status: criteria provided, single submitter. Criteria: Invitae Variant Classification Sherloc (09022015). Collection method: clinical testing. Allele origin: germline.
Comment: This variant has not been reported in the literature in individuals affected with EGFR-related conditions. In summary, the available evidence is currently insufficient to determine the role of this variant in disease. Therefore, it has been classified as a Variant of Uncertain Significance. Algorithms developed to predict the effect of missense changes on protein structure and function are either unavailable or do not agree on the potential impact of this missense change (SIFT: "Deleterious"; PolyPhen-2: "Probably Damaging"; Align-GVGD: "Class C15"). This variant is not present in population databases (gnomAD no frequency). This sequence change replaces leucine, which is neutral and non-polar, with proline, which is neutral and non-polar, at codon 269 of the EGFR protein (p.Leu269Pro).

NM_005228.5(EGFR):c.806T>C (p.Leu269Pro)

Gene: EGFR (epidermal growth factor receptor; plus strand). Cytogenetic location: 7p11.2.
Variant type: single nucleotide variant.
Coding change: c.806T>C on transcript NM_005228.5 (MANE Select); coding-DNA position 806, T replaced by C.
Protein change: p.Leu269Pro; replaces leucine 269 with proline.
Molecular consequence: missense variant. On other transcripts: intron variant (1).
Genome position (GRCh38, 1-based): chr7:55,154,069, T>C. VCF-style: chr7-55154069-T-C. GRCh37 (hg19) VCF-style: chr7-55221762-T-C.
Other names: c.671T>C, p.Leu224Pro (NM_001346897.2, NM_001346899.2); c.806T>C, p.Leu269Pro (NM_001346898.2, NM_201282.2, NM_201283.2 and 1 more transcripts); c.647T>C, p.Leu216Pro (NM_001346900.2); c.89-1761T>C (NM_001346941.2); short protein forms L224P, L269P, L216P.
Identifiers: ClinVar variation 2052732 (VCV002052732.4), dbSNP rs2128934975, ClinGen allele CA367577711.